The following is an entry in ClinVar:

NM_001365999.1(SZT2):c.8563C>T (p.Leu2855Phe)

Gene: SZT2 (SZT2 subunit of KICSTOR complex; plus strand). Cytogenetic location: 1p34.2.
Variant type: single nucleotide variant.
Coding change: c.8563C>T on transcript NM_001365999.1 (MANE Select); coding-DNA position 8563, C replaced by T.
Protein change: p.Leu2855Phe; replaces leucine 2855 with phenylalanine.
Molecular consequence: missense variant.
Genome position (GRCh38, 1-based): chr1:43,443,415, C>T. VCF-style: chr1-43443415-C-T. GRCh37 (hg19) VCF-style: chr1-43909086-C-T.
Other names: c.8392C>T, p.Leu2798Phe (NM_015284.4); c.8392C>T (NM_015284.3); short protein forms L2798F, L2855F.
Identifiers: ClinVar variation 1055238 (VCV001055238.7), dbSNP rs1026389040, ClinGen allele CA21648923.
Genomic context (GRCh38, chr1:43,443,415, plus strand): 5'-GGAGAGCTGGAGACCCTGAAGCAGTCATCCCGCCTGGTGCATTACTGTGCAACAGCCATG[C>T]TCTTCGACCCAGCTGCCTGGCTGCATGGGCCCCCAGAGACCTCTGGACCCCCTGACGGGC-3'
Protein context (NP_001352928.1, residues 2845-2865): RLVHYCATAM[Leu2855Phe]FDPAAWLHGP

ClinVar aggregate classification (germline): Uncertain significance. Review status: criteria provided, multiple submitters, no conflicts (2 of 4 stars). 2 submissions from 2 submitters: Uncertain significance (2). Last evaluated 2023-12-28.

Allele frequency attached by ClinVar (database versions not stated): gnomAD exomes below 0.00001; TOPMed 0.00001.
gnomAD v4.1: 2 of 1,614,232 alleles (0.00012%); highest among the groups gnomAD compares: Non-Finnish European, 0.00017%; no homozygotes.

Submissions (2):

GeneDx
Classification: Uncertain significance. Last evaluated: 2023-12-28. Review status: criteria provided, single submitter. Criteria: GeneDx Variant Classification Process June 2021. Collection method: clinical testing. Allele origin: germline. Affected: yes.
Comment: Not observed at significant frequency in large population cohorts (gnomAD); In silico analysis supports that this missense variant has a deleterious effect on protein structure/function; Has not been previously published as pathogenic or benign to our knowledge

Labcorp Genetics (formerly Invitae), Labcorp
Classification: Uncertain significance. Last evaluated: 2021-09-01. Review status: criteria provided, single submitter. Criteria: Invitae Variant Classification Sherloc (09022015). Collection method: clinical testing. Allele origin: germline.
Comment: This sequence change replaces leucine with phenylalanine at codon 2798 of the SZT2 protein (p.Leu2798Phe). The leucine residue is highly conserved and there is a small physicochemical difference between leucine and phenylalanine. This variant is not present in population databases (ExAC no frequency). This variant has not been reported in the literature in individuals affected with SZT2-related conditions. Algorithms developed to predict the effect of missense changes on protein structure and function are either unavailable or do not agree on the potential impact of this missense change (SIFT: "Tolerated"; PolyPhen-2: "Probably Damaging"; Align-GVGD: "Class C0"). In summary, the available evidence is currently insufficient to determine the role of this variant in disease. Therefore, it has been classified as a Variant of Uncertain Significance.